The following is an entry in ClinVar:

ClinVar aggregate classification (germline): Uncertain significance (1 of 4 stars; one submission).

Conditions:
Developmental and epileptic encephalopathy, 53. Also called: Epileptic encephalopathy, early infantile, 53. Identifiers: MedGen C4479313, MONDO:0033362, OMIM 617389.
Early-onset Parkinson disease 20. Also called: PARKINSON DISEASE 20, AUTOSOMAL RECESSIVE EARLY-ONSET. Identifiers: Orphanet 391411, MedGen C3809824, MONDO:0014233, OMIM 615530.

Allele frequency attached by ClinVar (database versions not stated): gnomAD exomes 0.00001; TOPMed 0.00001.
gnomAD v4.1: 8 of 1,614,194 alleles (0.0005%); highest among the groups gnomAD compares: Non-Finnish European, 0.00068%; no homozygotes.

Submission:

Labcorp Genetics (formerly Invitae), Labcorp
Classification: Uncertain significance for Developmental and epileptic encephalopathy, 53; Early-onset Parkinson disease 20. Last evaluated: 2022-09-06. Review status: criteria provided, single submitter. Criteria: Invitae Variant Classification Sherloc (09022015). Collection method: clinical testing. Allele origin: germline.
Comment: This sequence change replaces aspartic acid, which is acidic and polar, with valine, which is neutral and non-polar, at codon 148 of the SYNJ1 protein (p.Asp148Val). This variant is not present in population databases (gnomAD no frequency). This variant has not been reported in the literature in individuals affected with SYNJ1-related conditions. ClinVar contains an entry for this variant (Variation ID: 642833). Algorithms developed to predict the effect of missense changes on protein structure and function are either unavailable or do not agree on the potential impact of this missense change (SIFT: "Tolerated"; PolyPhen-2: "Probably Damaging"; Align-GVGD: "Class C0"). In summary, the available evidence is currently insufficient to determine the role of this variant in disease. Therefore, it has been classified as a Variant of Uncertain Significance.

NM_203446.3(SYNJ1):c.326A>T (p.Asp109Val)

Gene: SYNJ1 (synaptojanin 1; minus strand). Cytogenetic location: 21q22.11.
Variant type: single nucleotide variant.
Coding change: c.326A>T on transcript NM_203446.3 (MANE Select); coding-DNA position 326, A replaced by T.
Protein change: p.Asp109Val; replaces aspartic acid 109 with valine.
Molecular consequence: missense variant.
Genome position (GRCh38, 1-based): chr21:32,699,991, T>A on the plus strand (A>T on the coding strand, the complement: SYNJ1 is on the minus strand). VCF-style: chr21-32699991-T-A. GRCh37 (hg19) VCF-style: chr21-34072301-T-A.
Other names: c.326A>T, p.Asp109Val (NM_001160302.2, NM_001160306.2); c.443A>T, p.Asp148Val (NM_003895.4); short protein forms D109V, D148V.
Identifiers: ClinVar variation 642833 (VCV000642833.9), dbSNP rs764528223, ClinGen allele CA410101691.
Genomic context (GRCh38, chr21:32,699,991, plus strand): 5'-TAAAAGTTTCCTGAATTCAAAACTTTCCGCACTTCTGAAATGCGATCCTCATCTGAAGAA[T>A]CGATTCGCAGTGATATAAACTCAGTGGAAGTAACTCGGAAAACTTCAGATTCTTGAATTT-3'
Protein context (NP_982271.3, residues 99-119): TSTEFISLRI[Asp109Val]SSDEDRISEV